The following is an entry in ClinVar:

ClinVar aggregate classification (germline): Uncertain significance (1 of 4 stars; one submission).

Conditions:
Developmental and epileptic encephalopathy, 42 (DEE42A). Also called: DEVELOPMENTAL AND EPILEPTIC ENCEPHALOPATHY 42A; EPILEPTIC ENCEPHALOPATHY, EARLY INFANTILE, 42A; Epileptic encephalopathy, early infantile, 42. Identifiers: MedGen C4310716, MONDO:0014917, OMIM 617106.
Episodic ataxia type 2 (EA2). Also called: ACETAZOLAMIDE-RESPONSIVE HEREDITARY PAROXYSMAL CEREBELLAR ATAXIA; EPISODIC ATAXIA, NYSTAGMUS-ASSOCIATED; ATAXIA, EPISODIC, WITH NYSTAGMUS; ATAXIA, FAMILIAL PAROXYSMAL; CEREBELLAR ATAXIA, PAROXYSMAL, ACETAZOLAMIDE-RESPONSIVE; CEREBELLOPATHY, HEREDITARY PAROXYSMAL. Identifiers: Orphanet 97, MedGen C1720416, MONDO:0007163, OMIM 108500.

Submission:

Labcorp Genetics (formerly Invitae), Labcorp
Classification: Uncertain significance for Developmental and epileptic encephalopathy, 42; Episodic ataxia type 2. Last evaluated: 2020-03-02. Review status: criteria provided, single submitter. Criteria: Invitae Variant Classification Sherloc (09022015). Collection method: clinical testing. Allele origin: germline.
Comment: This sequence change falls in intron 30 of the CACNA1A gene. It does not directly change the encoded amino acid sequence of the CACNA1A protein. In summary, the available evidence is currently insufficient to determine the role of this variant in disease. Therefore, it has been classified as a Variant of Uncertain Significance. Algorithms developed to predict the effect of sequence changes on RNA splicing suggest that this variant may disrupt the consensus splice site, but this prediction has not been confirmed by published transcriptional studies. This variant has not been reported in the literature in individuals with CACNA1A-related conditions. This variant is not present in population databases (ExAC no frequency).

NM_001127222.2(CACNA1A):c.4867-6T>G

Gene: CACNA1A (calcium voltage-gated channel subunit alpha1 A; minus strand). Cytogenetic location: 19p13.13.
Variant type: single nucleotide variant.
Coding change: c.4867-6T>G on transcript NM_001127222.2 (MANE Select); 6 bases into the intron before coding-DNA position 4867, T replaced by G.
Molecular consequence: intron variant.
Genome position (GRCh38, 1-based): chr19:13,245,271, A>C on the plus strand (T>G on the coding strand, the complement: CACNA1A is on the minus strand). VCF-style: chr19-13245271-A-C. GRCh37 (hg19) VCF-style: chr19-13356085-A-C.
Other names: c.4870-6T>G (NM_001127221.2, NM_001174080.2); c.4879-6T>G (NM_000068.4, NM_023035.3).
Identifiers: ClinVar variation 1025678 (VCV001025678.9), dbSNP rs2056196120, ClinGen allele CA2323800523.